The following is an entry in ClinVar:

NM_000053.4(ATP7B):c.227T>C (p.Ile76Thr)

Gene: ATP7B (ATPase copper transporting beta; minus strand). Cytogenetic location: 13q14.3.
Variant type: single nucleotide variant.
Coding change: c.227T>C on transcript NM_000053.4 (MANE Select); coding-DNA position 227, T replaced by C.
Protein change: p.Ile76Thr; replaces isoleucine 76 with threonine.
Molecular consequence: missense variant.
Genome position (GRCh38, 1-based): chr13:51,974,993, A>G on the plus strand (T>C on the coding strand, the complement: ATP7B is on the minus strand). VCF-style: chr13-51974993-A-G. GRCh37 (hg19) VCF-style: chr13-52549129-A-G.
Other names: c.227T>C, p.Ile76Thr (NM_001005918.3, NM_001243182.2, NM_001330578.2 and 1 more transcripts); short protein forms I76T.
Identifiers: ClinVar variation 1004953 (VCV001004953.17), dbSNP rs747911411, ClinGen allele CA6989600.
Genomic context (GRCh38, chr13:51,974,993, plus strand): 5'-CCTTGTTCCAGGGAAACCTTCATGCTGATGATGCCTTTCAAATTGGAAATCCTGTCCTCA[A>G]TGGACTTCACACATGACTGGCAAGTCATGCCCAAGATCCTGACTGTGCTGGTGGCCACCT-3'
Protein context (NP_000044.2, residues 66-86): GMTCQSCVKS[Ile76Thr]EDRISNLKGI

ClinVar aggregate classification (germline): Uncertain significance. Review status: criteria provided, multiple submitters, no conflicts (2 of 4 stars). 7 submissions from 7 submitters: Uncertain significance (6). 1 of the submissions does not count toward it. Last evaluated 2025-07-03.

Conditions:
Wilson disease (WND). Also called: Wilson's disease. Identifiers: Orphanet 905, MedGen C0019202, MONDO:0010200, OMIM 277900. Disease mechanism: loss of function.

Allele frequency attached by ClinVar (database versions not stated): ExAC 0.00002; gnomAD 0.00002; gnomAD exomes 0.00002; TOPMed 0.00003.
gnomAD v4.1: 36 of 1,614,058 alleles (0.0022%); highest among the groups gnomAD compares: Admixed American, 0.0033%; no homozygotes.

Submissions (7):

Color Diagnostics, LLC DBA Color Health
Classification: Uncertain significance for Wilson disease. Last evaluated: 2025-07-03. Review status: criteria provided, single submitter. Criteria: ACMG Guidelines, 2015. Collection method: clinical testing. Allele origin: germline.
Comment: This missense variant replaces isoleucine with threonine at codon 76 of the ATP7B protein. Computational prediction suggests that this variant may have deleterious impact on protein structure and function. To our knowledge, functional studies have not been reported for this variant. This variant has not been reported in individuals affected with Wilson disease in the literature. This variant has been identified in 4/249192 chromosomes in the general population by the Genome Aggregation Database (gnomAD). The available evidence is insufficient to determine the role of this variant in disease conclusively. Therefore, this variant is classified as a Variant of Uncertain Significance.

Laboratory of Genetics, Children's Clinical University Hospital Latvia
Classification: Uncertain significance. Last evaluated: 2025-02-16. Review status: criteria provided, single submitter. Criteria: ACMG Guidelines, 2015. Collection method: clinical testing. Allele origin: germline. Affected: yes.

All of Us Research Program, National Institutes of Health
Classification: Uncertain significance for Wilson disease. Last evaluated: 2024-08-29. Review status: criteria provided, single submitter. Criteria: ACMG Guidelines, 2015. Collection method: clinical testing. Allele origin: germline. Inheritance: Autosomal recessive inheritance. Observed: 18 variant alleles, 18 heterozygotes.
Comment: This missense variant replaces isoleucine with threonine at codon 76 of the ATP7B protein. Computational prediction suggests that this variant may have deleterious impact on protein structure and function (internally defined REVEL score threshold >= 0.7, PMID: 27666373). To our knowledge, functional studies have not been reported for this variant. This variant has not been reported in individuals affected with Wilson disease in the literature. This variant has been identified in 4/249192 chromosomes in the general population by the Genome Aggregation Database (gnomAD). The available evidence is insufficient to determine the role of this variant in disease conclusively. Therefore, this variant is classified as a Variant of Uncertain Significance.

This study involves interpretation of variants in research participants for the purpose of population health screening. Participant phenotype was not available at the time of variant classification. Additional details can be found in publication PMID: 35346344, PMCID: PMC8962531

Fulgent Genetics
Classification: Uncertain significance for Wilson disease. Last evaluated: 2024-02-16. Review status: criteria provided, single submitter. Criteria: ACMG Guidelines, 2015. Collection method: clinical testing. Allele origin: germline.

Labcorp Genetics (formerly Invitae), Labcorp
Classification: Uncertain significance for Wilson disease. Last evaluated: 2023-12-07. Review status: criteria provided, single submitter. Criteria: Invitae Variant Classification Sherloc (09022015). Collection method: clinical testing. Allele origin: germline.
Comment: This sequence change replaces isoleucine, which is neutral and non-polar, with threonine, which is neutral and polar, at codon 76 of the ATP7B protein (p.Ile76Thr). This variant is present in population databases (rs747911411, gnomAD 0.003%). This variant has not been reported in the literature in individuals affected with ATP7B-related conditions. ClinVar contains an entry for this variant (Variation ID: 1004953). Advanced modeling of protein sequence and biophysical properties (such as structural, functional, and spatial information, amino acid conservation, physicochemical variation, residue mobility, and thermodynamic stability) performed at Invitae indicates that this missense variant is expected to disrupt ATP7B protein function with a positive predictive value of 95%. In summary, the available evidence is currently insufficient to determine the role of this variant in disease. Therefore, it has been classified as a Variant of Uncertain Significance.

Juno Genomics, Hangzhou Juno Genomics, Inc
Classification: Uncertain significance for Wilson disease. Review status: criteria provided, single submitter. Criteria: ACMG Guidelines, 2015. Collection method: clinical testing. Allele origin: germline.
Comment: Absent from controls (or at extremely low frequency if recessive) in Genome Aggregation Database.;Multiple lines of computational evidence support a deleterious effect on the gene or gene product.

Natera, Inc.
Classification: Uncertain significance for Wilson disease. Last evaluated: 2021-03-29. Review status: no assertion criteria provided. Collection method: clinical testing. Allele origin: germline. Not counted in ClinVar's aggregate classification.